The following is an entry in ClinVar:

NM_000390.4(CHM):c.1217G>A (p.Cys406Tyr)

Gene: CHM (CHM Rab escort protein; minus strand). Cytogenetic location: Xq21.2.
Variant type: single nucleotide variant.
Coding change: c.1217G>A on transcript NM_000390.4 (MANE Select); coding-DNA position 1217, G replaced by A.
Protein change: p.Cys406Tyr; replaces cysteine 406 with tyrosine.
Molecular consequence: missense variant.
Genome position (GRCh38, 1-based): chrX:85,911,288, C>T on the plus strand (G>A on the coding strand, the complement: CHM is on the minus strand). VCF-style: chrX-85911288-C-T. GRCh37 (hg19) VCF-style: chrX-85166293-C-T.
Other names: c.1217G>A (NM_000390.3); c.773G>A, p.Cys258Tyr (NM_001320959.1, NM_001362517.1, NM_001362518.2 and 1 more transcripts); short protein forms C406Y, C258Y.
Identifiers: ClinVar variation 852711 (VCV000852711.10), dbSNP rs754257889, ClinGen allele CA10465454.

ClinVar aggregate classification (germline): Conflicting classifications of pathogenicity. Review status: criteria provided, conflicting classifications (1 of 4 stars). 4 submissions from 4 submitters: Uncertain significance (2); Likely benign (1). 1 of the submissions does not count toward it. Last evaluated 2025-07-31.

Conditions:
CHM-related disorder. Also called: CHM-related condition.
Choroideremia. Also called: Chorioretinal scalloped atrophy. Identifiers: Orphanet 180, MedGen C0008525, MONDO:0010557, OMIM 303100, HP:0001139.

Allele frequency attached by ClinVar (database versions not stated): ExAC 0.00001; gnomAD exomes 0.00001 and 0.00002.

Submissions (4):

PreventionGenetics, part of Exact Sciences
Classification: Uncertain significance for CHM-related condition. Last evaluated: 2025-07-31. Review status: criteria provided, single submitter. Criteria: ACMG Guidelines, 2015. Collection method: clinical testing. Allele origin: germline.
Comment: The CHM c.1217G>A variant is predicted to result in the amino acid substitution p.Cys406Tyr. To our knowledge, this variant has not been reported in the literature. This variant is reported in 0.0074% of alleles in individuals of Latino descent in gnomAD. At this time, the clinical significance of this variant is uncertain due to the absence of conclusive functional and genetic evidence.

Labcorp Genetics (formerly Invitae), Labcorp
Classification: Uncertain significance. Last evaluated: 2025-06-03. Review status: criteria provided, single submitter. Criteria: Invitae Variant Classification Sherloc (09022015). Collection method: clinical testing. Allele origin: germline.
Comment: This sequence change replaces cysteine, which is neutral and slightly polar, with tyrosine, which is neutral and polar, at codon 406 of the CHM protein (p.Cys406Tyr). The frequency data for this variant in the population databases is considered unreliable, as metrics indicate poor data quality at this position in the gnomAD database. This variant has not been reported in the literature in individuals affected with CHM-related conditions. ClinVar contains an entry for this variant (Variation ID: 852711). Invitae Evidence Modeling of protein sequence and biophysical properties (such as structural, functional, and spatial information, amino acid conservation, physicochemical variation, residue mobility, and thermodynamic stability) indicates that this missense variant is expected to disrupt CHM protein function with a positive predictive value of 80%. In summary, the available evidence is currently insufficient to determine the role of this variant in disease. Therefore, it has been classified as a Variant of Uncertain Significance.

Blueprint Genetics
Classification: Likely benign. Last evaluated: 2022-10-14. Review status: criteria provided, single submitter. Criteria: ACMG Guidelines, 2015. Collection method: clinical testing. Allele origin: germline.

Natera, Inc.
Classification: Uncertain significance for Choroideremia. Last evaluated: 2019-11-11. Review status: no assertion criteria provided. Collection method: clinical testing. Allele origin: germline. Not counted in ClinVar's aggregate classification.